The following is an entry in ClinVar:

ClinVar aggregate classification (germline): Uncertain significance (1 of 4 stars; one submission).

Allele frequency attached by ClinVar (database versions not stated): gnomAD exomes below 0.00001.
gnomAD v4.1: 1 of 1,611,924 alleles (0.000062%); highest among the groups gnomAD compares: East Asian, 0.0022%; no homozygotes.

Submission:

GeneDx
Classification: Uncertain significance. Last evaluated: 2022-03-18. Review status: criteria provided, single submitter. Criteria: GeneDx Variant Classification Process June 2021. Collection method: clinical testing. Allele origin: germline. Affected: yes.
Comment: Not observed at significant frequency in large population cohorts (gnomAD); In silico analysis supports that this missense variant has a deleterious effect on protein structure/function; Has not been previously published as pathogenic or benign to our knowledge

NM_024678.6(NARS2):c.361T>G (p.Cys121Gly)

Gene: NARS2 (asparaginyl-tRNA synthetase 2, mitochondrial; minus strand). Cytogenetic location: 11q14.1.
Variant type: single nucleotide variant.
Coding change: c.361T>G on transcript NM_024678.6 (MANE Select); coding-DNA position 361, T replaced by G.
Protein change: p.Cys121Gly; replaces cysteine 121 with glycine.
Molecular consequence: missense variant. On other transcripts: 5 prime UTR variant (1).
Genome position (GRCh38, 1-based): chr11:78,568,643, A>C on the plus strand (T>G on the coding strand, the complement: NARS2 is on the minus strand). VCF-style: chr11-78568643-A-C. GRCh37 (hg19) VCF-style: chr11-78279689-A-C.
Other names: c.-321T>G (NM_001243251.2); short protein forms C121G.
Identifiers: ClinVar variation 1706104 (VCV001706104.2), dbSNP rs2497155052, ClinGen allele CA382180119.